The following is an entry in ClinVar:

ClinVar aggregate classification (germline): Uncertain significance (1 of 4 stars; one submission).

Submission:

Labcorp Genetics (formerly Invitae), Labcorp
Classification: Uncertain significance. Last evaluated: 2025-08-11. Review status: criteria provided, single submitter. Criteria: Invitae Variant Classification Sherloc (09022015). Collection method: clinical testing. Allele origin: germline.
Comment: This sequence change replaces glutamic acid, which is acidic and polar, with lysine, which is basic and polar, at codon 386 of the PPP2R5D protein (p.Glu386Lys). This variant is not present in population databases (gnomAD no frequency). This variant has not been reported in the literature in individuals affected with PPP2R5D-related conditions. An algorithm developed to predict the effect of missense changes on protein structure and function (PolyPhen-2) suggests that this variant is likely to be disruptive. In summary, the available evidence is currently insufficient to determine the role of this variant in disease. Therefore, it has been classified as a Variant of Uncertain Significance.

NM_006245.4(PPP2R5D):c.1156G>A (p.Glu386Lys)

Gene: PPP2R5D (protein phosphatase 2 regulatory subunit B'delta; plus strand). Cytogenetic location: 6p21.1.
Variant type: single nucleotide variant.
Coding change: c.1156G>A on transcript NM_006245.4 (MANE Select); coding-DNA position 1156, G replaced by A.
Protein change: p.Glu386Lys; replaces glutamic acid 386 with lysine.
Molecular consequence: missense variant.
Genome position (GRCh38, 1-based): chr6:43,009,132, G>A. VCF-style: chr6-43009132-G-A. GRCh37 (hg19) VCF-style: chr6-42976870-G-A.
Other names: c.703G>A, p.Glu235Lys (NM_001270476.2); c.1060G>A, p.Glu354Lys (NM_180976.3); c.838G>A, p.Glu280Lys (NM_180977.3); short protein forms E280K, E354K, E386K, E235K.
Identifiers: ClinVar variation 4725019 (VCV004725019.1).